The following is an entry in ClinVar:

NM_023936.2(MRPS34):c.436G>C (p.Glu146Gln)

Gene: MRPS34 (mitochondrial ribosomal protein S34; minus strand). Cytogenetic location: 16p13.3.
Variant type: single nucleotide variant.
Coding change: c.436G>C on transcript NM_023936.2 (MANE Select); coding-DNA position 436, G replaced by C.
Protein change: p.Glu146Gln; replaces glutamic acid 146 with glutamine.
Molecular consequence: missense variant.
Genome position (GRCh38, 1-based): chr16:1,772,442, C>G on the plus strand (G>C on the coding strand, the complement: MRPS34 is on the minus strand). VCF-style: chr16-1772442-C-G. GRCh37 (hg19) VCF-style: chr16-1822443-C-G.
Other names: c.436G>C (NM_023936.1); c.457G>C, p.Glu153Gln (NM_001300900.2); c.457G>C (NM_001300900.1); short protein forms E146Q, E153Q.
Identifiers: ClinVar variation 1577985 (VCV001577985.41), dbSNP rs139953295, ClinGen allele CA7818339.

ClinVar aggregate classification (germline): Conflicting classifications of pathogenicity. Review status: criteria provided, conflicting classifications (1 of 4 stars). 5 submissions from 5 submitters: Uncertain significance (1); Benign (1); Likely benign (2). 1 of the submissions does not count toward it. Last evaluated 2026-09-01.

Conditions:
Inborn genetic diseases. Identifiers: MedGen C0950123, MeSH D030342.
MRPS34-related disorder. Also called: MRPS34-related condition.

Allele frequency attached by ClinVar (database versions not stated): ESP Exome Variant Server 0.00346; gnomAD 0.00346 and 0.00364; 1000 Genomes Project 0.00080; 1000 Genomes Project 30x 0.00094; TOPMed 0.00330; gnomAD exomes 0.00385; ExAC 0.00420.

Submissions (5):

CeGaT Center for Human Genetics Tuebingen
Classification: Likely benign. Last evaluated: 2026-09-01. Review status: criteria provided, single submitter. Criteria: CeGaT Center For Human Genetics Tuebingen Variant Classification Criteria Version 2. Collection method: clinical testing. Allele origin: germline. Affected: yes. Observed: 26 variant alleles.
Comment: MRPS34: BP4, BS2

Labcorp Genetics (formerly Invitae), Labcorp
Classification: Benign. Last evaluated: 2026-01-28. Review status: criteria provided, single submitter. Criteria: Invitae Variant Classification Sherloc (09022015). Collection method: clinical testing. Allele origin: germline.

Ambry Genetics
Classification: Uncertain significance for Inborn genetic diseases. Last evaluated: 2021-06-22. Review status: criteria provided, single submitter. Criteria: Ambry Variant Classification Scheme 2023. Collection method: clinical testing. Allele origin: germline.

Breakthrough Genomics
Classification: Likely benign. Review status: criteria provided, single submitter. Criteria: ACMG Guidelines, 2015. Collection method: not provided. Allele origin: germline. Inheritance: Autosomal recessive inheritance. Affected: yes.

PreventionGenetics, part of Exact Sciences
Classification: Likely benign for MRPS34-related condition. Last evaluated: 2019-07-30. Review status: no assertion criteria provided. Collection method: clinical testing. Allele origin: germline. Not counted in ClinVar's aggregate classification.
Comment: This variant is classified as likely benign based on ACMG/AMP sequence variant interpretation guidelines (Richards et al. 2015 PMID: 25741868, with internal and published modifications).